The following is an entry in ClinVar:

NM_001365276.2(TNXB):c.2336A>G (p.Tyr779Cys)

Gene: TNXB (tenascin XB; minus strand). Cytogenetic location: 6p21.33.
Variant type: single nucleotide variant.
Coding change: c.2336A>G on transcript NM_001365276.2 (MANE Select); coding-DNA position 2336, A replaced by G.
Protein change: p.Tyr779Cys; replaces tyrosine 779 with cysteine.
Molecular consequence: missense variant.
Genome position (GRCh38, 1-based): chr6:32,095,098, T>C on the plus strand (A>G on the coding strand, the complement: TNXB is on the minus strand). VCF-style: chr6-32095098-T-C. GRCh37 (hg19) VCF-style: chr6-32062875-T-C.
Other names: c.2336A>G, p.Tyr779Cys (NM_019105.8); short protein forms Y779C.
Identifiers: ClinVar variation 1789777 (VCV001789777.4), dbSNP rs1210055900, ClinGen allele CA363469727.

ClinVar aggregate classification (germline): Uncertain significance. Review status: criteria provided, multiple submitters, no conflicts (2 of 4 stars). 2 submissions from 2 submitters: Uncertain significance (2). Last evaluated 2026-06-08.

Conditions:
Cardiovascular phenotype. Identifiers: MedGen CN230736.

Allele frequency attached by ClinVar (database versions not stated): gnomAD exomes 0.00001; gnomAD 0.00001; TOPMed below 0.00001.
gnomAD v4.1: 17 of 1,549,034 alleles (0.0011%); highest among the groups gnomAD compares: East Asian, 0.0073%; no homozygotes.

Submissions (2):

Women's Health and Genetics/Laboratory Corporation of America, LabCorp
Classification: Uncertain significance. Last evaluated: 2026-06-08. Review status: criteria provided, single submitter. Criteria: LabCorp Variant Classification Summary - May 2015. Collection method: clinical testing. Allele origin: germline.

Ambry Genetics
Classification: Uncertain significance for Cardiovascular phenotype. Last evaluated: 2024-08-24. Review status: criteria provided, single submitter. Criteria: Ambry Variant Classification Scheme 2023. Collection method: clinical testing. Allele origin: germline.
Comment: The p.Y779C variant (also known as c.2336A>G), located in coding exon 3 of the TNXB gene, results from an A to G substitution at nucleotide position 2336. The tyrosine at codon 779 is replaced by cysteine, an amino acid with highly dissimilar properties. This amino acid position is conserved. In addition, the in silico prediction for this alteration is inconclusive. Since supporting evidence is limited at this time, the clinical significance of this alteration remains unclear.